The following is an entry in ClinVar:

NM_005869.4(CWC27):c.938+10917T>C

Gene: CWC27 (CWC27 spliceosome associated cyclophilin; plus strand). Cytogenetic location: 5q12.3.
Variant type: single nucleotide variant.
Coding change: c.938+10917T>C on transcript NM_005869.4 (MANE Select); 10917 bases into the intron after coding-DNA position 938, T replaced by C.
Molecular consequence: intron variant.
Genome position (GRCh38, 1-based): chr5:64,815,303, T>C. VCF-style: chr5-64815303-T-C. GRCh37 (hg19) VCF-style: chr5-64111130-T-C.
Other names: c.938+10917T>C (NM_001297644.1, NM_001364478.1, NM_001318000.2).
Identifiers: ClinVar variation 3341815 (VCV003341815.16).

ClinVar aggregate classification (germline): Likely benign (1 of 4 stars; one submission).

gnomAD v4.1: 2 of 152,302 alleles (0.0013%); highest among the groups gnomAD compares: Admixed American, 0.0065%; no homozygotes.

Submission:

CeGaT Center for Human Genetics Tuebingen
Classification: Likely benign. Last evaluated: 2024-08-01. Review status: criteria provided, single submitter. Criteria: CeGaT Center For Human Genetics Tuebingen Variant Classification Criteria Version 2. Collection method: clinical testing. Allele origin: germline. Affected: yes. Observed: 1 variant allele.
Comment: CWC27: BP4, BP7